The following is an entry in ClinVar:

NM_201384.3(PLEC):c.6000C>T (p.Ala2000=)

Gene: PLEC (plectin; minus strand). Cytogenetic location: 8q24.3.
Variant type: single nucleotide variant.
Coding change: c.6000C>T on transcript NM_201384.3 (MANE Select); coding-DNA position 6000, C replaced by T.
Protein change: p.Ala2000=; no amino-acid change (alanine 2000 retained).
Molecular consequence: synonymous variant.
Genome position (GRCh38, 1-based): chr8:143,923,929, G>A on the plus strand (C>T on the coding strand, the complement: PLEC is on the minus strand). VCF-style: chr8-143923929-G-A. GRCh37 (hg19) VCF-style: chr8-144998097-G-A.
Other names: c.6081C>T, p.Ala2027= (NM_000445.5); c.5958C>T, p.Ala1986= (NM_201378.4); c.5934C>T, p.Ala1978= (NM_201379.3); c.6411C>T, p.Ala2137= (NM_201380.4); c.5904C>T, p.Ala1968= (NM_201381.3); c.6000C>T, p.Ala2000= (NM_201382.4); c.6012C>T, p.Ala2004= (NM_201383.3).
Identifiers: ClinVar variation 669069 (VCV000669069.12), dbSNP rs782459978, ClinGen allele CA4926151.

ClinVar aggregate classification (germline): Likely benign. Review status: criteria provided, multiple submitters, no conflicts (2 of 4 stars). 4 submissions from 4 submitters: Likely benign (3). 1 of the submissions does not count toward it. Last evaluated 2025-12-16.

Conditions:
PLEC-related disorder. Also called: PLEC-related disorders; PLEC-related condition.
Autosomal recessive limb-girdle muscular dystrophy type 2Q (LGMDR17). Also called: MUSCULAR DYSTROPHY, LIMB-GIRDLE, AUTOSOMAL RECESSIVE 17. Identifiers: Orphanet 254361, MedGen C3150989, MONDO:0013390, OMIM 613723.
Epidermolysis bullosa simplex 5B, with muscular dystrophy (EBS5B). Also called: EPIDERMOLYSIS BULLOSA SIMPLEX AND LIMB-GIRDLE MUSCULAR DYSTROPHY; Epidermolysis bullosa simplex with muscular dystrophy. Identifiers: Orphanet 257, MedGen C2931072, MONDO:0009181, OMIM 226670.
Epidermolysis bullosa simplex 5C, with pyloric atresia (EBS5C). Also called: PLEC-Related Epidermolysis Bullosa with Pyloric Atresia; Epidermolysis bullosa simplex with pyloric atresia; PLEC1-Related Epidermolysis Bullosa with Pyloric Atresia. Identifiers: Orphanet 158684, MedGen C2677349, MONDO:0012807, OMIM 612138.
Epidermolysis bullosa simplex with nail dystrophy (EBS5D). Identifiers: MedGen C4225309, MONDO:0014661, OMIM 616487.
Epidermolysis bullosa simplex, Ogna type (EBS5A). Also called: Pidermolysis bullosa simplex 5A, Ogna type; EPIDERMOLYSIS BULLOSA SIMPLEX 5A, OGNA TYPE. Identifiers: Orphanet 79401, MedGen C0432317, MONDO:0007555, OMIM 131950.

Allele frequency attached by ClinVar (database versions not stated): gnomAD 0.00001; TOPMed 0.00002; gnomAD exomes 0.00004 and 0.00006; ExAC 0.00007.
gnomAD v4.1: 55 of 1,594,712 alleles (0.0034%); highest among the groups gnomAD compares: Middle Eastern, 0.017%; no homozygotes.

Submissions (4):

Labcorp Genetics (formerly Invitae), Labcorp
Classification: Likely benign for Autosomal recessive limb-girdle muscular dystrophy type 2Q; Epidermolysis bullosa simplex, Ogna type; Epidermolysis bullosa simplex with nail dystrophy; Epidermolysis bullosa simplex 5C, with pyloric atresia; Epidermolysis bullosa simplex 5B, with muscular dystrophy. Last evaluated: 2025-12-16. Review status: criteria provided, single submitter. Criteria: Invitae Variant Classification Sherloc (09022015). Collection method: clinical testing. Allele origin: germline.

Blueprint Genetics
Classification: Likely benign. Last evaluated: 2023-08-28. Review status: criteria provided, single submitter. Criteria: ACMG Guidelines, 2015. Collection method: clinical testing. Allele origin: germline.

GeneDx
Classification: Likely benign. Last evaluated: 2018-05-30. Review status: criteria provided, single submitter. Criteria: GeneDx Variant Classification (06012015). Collection method: clinical testing. Allele origin: germline. Affected: yes.
Comment: This variant is considered likely benign or benign based on one or more of the following criteria: it is a conservative change, it occurs at a poorly conserved position in the protein, it is predicted to be benign by multiple in silico algorithms, and/or has population frequency not consistent with disease.

PreventionGenetics, part of Exact Sciences
Classification: Likely benign for PLEC-related condition. Last evaluated: 2019-04-25. Review status: no assertion criteria provided. Collection method: clinical testing. Allele origin: germline. Not counted in ClinVar's aggregate classification.
Comment: This variant is classified as likely benign based on ACMG/AMP sequence variant interpretation guidelines (Richards et al. 2015 PMID: 25741868, with internal and published modifications).